The following is an entry in ClinVar:

ClinVar aggregate classification (germline): Uncertain significance (1 of 4 stars; one submission).

Conditions:
Cardiovascular phenotype. Identifiers: MedGen CN230736.

Submission:

Ambry Genetics
Classification: Uncertain significance for Cardiovascular phenotype. Last evaluated: 2025-03-25. Review status: criteria provided, single submitter. Criteria: Ambry Variant Classification Scheme 2023. Collection method: clinical testing. Allele origin: germline.
Comment: The p.S502G variant (also known as c.1504A>G), located in coding exon 1 of the ZNF469 gene, results from an A to G substitution at nucleotide position 1504. The serine at codon 502 is replaced by glycine, an amino acid with similar properties. This amino acid position is conserved. In addition, this alteration is predicted to be tolerated by in silico analysis. Based on the available evidence, the clinical significance of this variant remains unclear.

NM_001367624.2(ZNF469):c.1504A>G (p.Ser502Gly)

Gene: ZNF469 (zinc finger protein 469; plus strand). Cytogenetic location: 16q24.2.
Variant type: single nucleotide variant.
Coding change: c.1504A>G on transcript NM_001367624.2 (MANE Select); coding-DNA position 1504, A replaced by G.
Protein change: p.Ser502Gly; replaces serine 502 with glycine.
Molecular consequence: missense variant.
Genome position (GRCh38, 1-based): chr16:88,428,974, A>G. VCF-style: chr16-88428974-A-G. GRCh37 (hg19) VCF-style: chr16-88495382-A-G.
Other names: NM_001127464.1:c.1504A>G; short protein forms S502G.
Identifiers: ClinVar variation 3987308 (VCV003987308.1).